The following is an entry in ClinVar:

ClinVar aggregate classification (germline): Uncertain significance (1 of 4 stars; one submission).

Conditions:
Hereditary cancer-predisposing syndrome. Also called: Neoplastic Syndromes, Hereditary; Tumor predisposition; Hereditary Cancer Syndrome; Hereditary neoplastic syndrome. Identifiers: Orphanet 140162, MedGen C0027672, MeSH D009386, MONDO:0015356.

Submission:

Ambry Genetics
Classification: Uncertain significance for Hereditary cancer-predisposing syndrome. Last evaluated: 2022-05-21. Review status: criteria provided, single submitter. Criteria: Ambry Variant Classification Scheme 2023. Collection method: clinical testing. Allele origin: germline.
Comment: The p.T127I variant (also known as c.380C>T), located in coding exon 1 of the AXIN2 gene, results from a C to T substitution at nucleotide position 380. The threonine at codon 127 is replaced by isoleucine, an amino acid with similar properties. This amino acid position is conserved. In addition, this alteration is predicted to be tolerated by in silico analysis. Since supporting evidence is limited at this time, the clinical significance of this alteration remains unclear.

NM_004655.4(AXIN2):c.380C>T (p.Thr127Ile)

Gene: AXIN2 (axin 2; minus strand). Cytogenetic location: 17q24.1.
Variant type: single nucleotide variant.
Coding change: c.380C>T on transcript NM_004655.4 (MANE Select); coding-DNA position 380, C replaced by T.
Protein change: p.Thr127Ile; replaces threonine 127 with isoleucine.
Molecular consequence: missense variant.
Genome position (GRCh38, 1-based): chr17:65,558,241, G>A on the plus strand (C>T on the coding strand, the complement: AXIN2 is on the minus strand). VCF-style: chr17-65558241-G-A. GRCh37 (hg19) VCF-style: chr17-63554359-G-A.
Other names: c.380C>T, p.Thr127Ile (NM_001363813.1); short protein forms T127I.
Identifiers: ClinVar variation 1735136 (VCV001735136.2), dbSNP rs2544251558, ClinGen allele CA400681515.
Genomic context (GRCh38, chr17:65,558,241, plus strand): 5'-TTGGAGACAATGCTGTTGTTCTCAATGTACCTTTTGTAGATCGCTTTGGCTACTCGTAAA[G>A]TTTTGGTATCCTTCAGGTTCATCTGCCTGAATCCATTGCAGGCAAACCAGAAGTCTAAGG-3'
Protein context (NP_004646.3, residues 117-137): FRQMNLKDTK[Thr127Ile]LRVAKAIYKR